The following is an entry in ClinVar:

ClinVar aggregate classification (germline): Uncertain significance (1 of 4 stars; one submission).

Allele frequency attached by ClinVar (database versions not stated): gnomAD exomes below 0.00001 and 0.00001; TOPMed below 0.00001; ExAC 0.00001.
gnomAD v4.1: 21 of 1,614,104 alleles (0.0013%); highest among the groups gnomAD compares: Non-Finnish European, 0.0017%; no homozygotes.

Submission:

Labcorp Genetics (formerly Invitae), Labcorp
Classification: Uncertain significance. Last evaluated: 2022-06-13. Review status: criteria provided, single submitter. Criteria: Invitae Variant Classification Sherloc (09022015). Collection method: clinical testing. Allele origin: germline.
Comment: In summary, the available evidence is currently insufficient to determine the role of this variant in disease. Therefore, it has been classified as a Variant of Uncertain Significance. Algorithms developed to predict the effect of missense changes on protein structure and function are either unavailable or do not agree on the potential impact of this missense change (SIFT: "Deleterious"; PolyPhen-2: "Not Available"; Align-GVGD: "Class C0"). This variant has not been reported in the literature in individuals affected with CLTC-related conditions. This variant is present in population databases (rs758426914, gnomAD 0.0009%). This sequence change replaces arginine, which is basic and polar, with glutamine, which is neutral and polar, at codon 1169 of the CLTC protein (p.Arg1169Gln).

NM_004859.4(CLTC):c.3494G>A (p.Arg1165Gln)

Gene: CLTC (clathrin heavy chain; plus strand). Cytogenetic location: 17q23.1.
Variant type: single nucleotide variant.
Coding change: c.3494G>A on transcript NM_004859.4 (MANE Select); coding-DNA position 3494, G replaced by A.
Protein change: p.Arg1165Gln; replaces arginine 1165 with glutamine.
Molecular consequence: missense variant.
Genome position (GRCh38, 1-based): chr17:59,682,322, G>A. VCF-style: chr17-59682322-G-A. GRCh37 (hg19) VCF-style: chr17-57759683-G-A.
Other names: c.3506G>A, p.Arg1169Gln (NM_001288653.2); short protein forms R1165Q, R1169Q.
Identifiers: ClinVar variation 1356425 (VCV001356425.8), dbSNP rs758426914, ClinGen allele CA8681601.